The following is an entry in ClinVar:

GRCh37/hg19 16p11.2(chr16:29567295-30344958)x1

Genes: ALDOA (aldolase, fructose-bisphosphate A; plus strand), ASPHD1 (aspartate beta-hydroxylase domain containing 1; plus strand), BOLA2B (bolA family member 2B; minus strand), C16orf54 (chromosome 16 open reading frame 54; minus strand), C16orf92 (chromosome 16 open reading frame 92; plus strand) and 25 more. Cytogenetic location: 16p11.2.
Variant type: copy number loss.
Change: copy number 1 (one copy instead of two) of chr16:29,567,295-30,344,958 (777.7 kb, GRCh37 coordinates, 1-based), cytogenetic band 16p11.2.
Identifiers: ClinVar variation 564323 (VCV000564323.5).

ClinVar aggregate classification (germline): Pathogenic (1 of 4 stars; one submission).

Submission:

Quest Diagnostics Nichols Institute San Juan Capistrano
Classification: Pathogenic. Last evaluated: 2024-01-31. Review status: criteria provided, single submitter. Criteria: ACMG/ClinGen CNV Guidelines, 2019. Collection method: clinical testing. Allele origin: unknown.
Comment: This copy number loss is consistent with the proximal (BP4-BP5) 16p11.2 recurrent region (OMIM 611913; ISCA-37400), haploinsufficiency of which is associated with neurodevelopmental issues, obesity, and variable congenital malformations (Taylor 2021). Therefore, this copy number variant is classified as pathogenic. References: Taylor et al., GeneReviews [Internet]. [2021 Oct 28]. PMID: 20301776